The following is an entry in ClinVar:

ClinVar aggregate classification (germline): Uncertain significance (1 of 4 stars; one submission).

Submission:

GeneDx
Classification: Uncertain significance. Last evaluated: 2024-03-28. Review status: criteria provided, single submitter. Criteria: GeneDx Variant Classification Process June 2021. Collection method: clinical testing. Allele origin: germline. Affected: yes.
Comment: Not observed at significant frequency in large population cohorts (gnomAD); Nonsense variant predicted to result in protein truncation or nonsense mediated decay in a gene or region of a gene for which loss of function is not a well-established mechanism of disease; Has not been previously published as pathogenic or benign to our knowledge

NM_013450.4(BAZ2B):c.2215_2222del (p.Arg738_Val739insTer)

Gene: BAZ2B (bromodomain adjacent to zinc finger domain 2B; minus strand). Cytogenetic location: 2q24.2.
Variant type: Deletion.
Coding change: c.2215_2222del on transcript NM_013450.4 (MANE Select); coding-DNA positions 2215 to 2222, 8 bases deleted (GTAACAGA; older notation c.2215_2222delGTAACAGA).
Protein change: p.Arg738_Val739insTer.
Molecular consequence: nonsense.
Genome position (GRCh38, 1-based): chr2:159,429,233-159,429,240, TCTGTTAC deleted on the plus strand (GTAACAGA on the coding strand, the reverse complement: BAZ2B is on the minus strand); deleting any 8 consecutive bases within chr2:159,429,233-159,429,243 gives the same sequence; the c. name uses the placement nearest the transcript's 3' end. VCF-style (leftmost placement, unchanged base first): chr2-159429232-ATCTGTTAC-A. GRCh37 (hg19) VCF-style: chr2-160285743-ATCTGTTAC-A.
Other names: c.2209_2216del, p.Arg736_Val737insTer (NM_001289975.1); c.2026_2033del, p.Arg675_Val676insTer (NM_001329857.2); c.2215_2222del, p.Arg738_Val739insTer (NM_001329858.2).
Identifiers: ClinVar variation 3371809 (VCV003371809.1).
Genomic context (GRCh38, chr2:159,429,232, plus strand): 5'-AGAAAAAGGAAAACCTTATTTTGCATACCCATATTCCAATGGAATACGCAGTTCACGTTC[ATCTGTTAC>A]TCTTCTTCTTTTGGAAGTGCCTTTAAAAAAATTCAATTGGTTAATATAAAACATTCATTA-3'